The following is an entry in ClinVar:

ClinVar aggregate classification (germline): Uncertain significance (1 of 4 stars; one submission).

Conditions:
Developmental and epileptic encephalopathy, 53. Also called: Epileptic encephalopathy, early infantile, 53. Identifiers: MedGen C4479313, MONDO:0033362, OMIM 617389.
Early-onset Parkinson disease 20. Also called: PARKINSON DISEASE 20, AUTOSOMAL RECESSIVE EARLY-ONSET. Identifiers: Orphanet 391411, MedGen C3809824, MONDO:0014233, OMIM 615530.

Allele frequency attached by ClinVar (database versions not stated): gnomAD exomes below 0.00001; gnomAD 0.00001; TOPMed 0.00001.
gnomAD v4.1: 2 of 1,613,836 alleles (0.00012%); highest among the groups gnomAD compares: African/African-American, 0.0013%; no homozygotes.

Submission:

Labcorp Genetics (formerly Invitae), Labcorp
Classification: Uncertain significance for Developmental and epileptic encephalopathy, 53; Early-onset Parkinson disease 20. Last evaluated: 2022-03-10. Review status: criteria provided, single submitter. Criteria: Invitae Variant Classification Sherloc (09022015). Collection method: clinical testing. Allele origin: germline.
Comment: In summary, the available evidence is currently insufficient to determine the role of this variant in disease. Therefore, it has been classified as a Variant of Uncertain Significance. Algorithms developed to predict the effect of missense changes on protein structure and function (SIFT, PolyPhen-2, Align-GVGD) all suggest that this variant is likely to be tolerated. This variant has not been reported in the literature in individuals affected with SYNJ1-related conditions. This variant is not present in population databases (gnomAD no frequency). This sequence change replaces histidine, which is basic and polar, with arginine, which is basic and polar, at codon 1250 of the SYNJ1 protein (p.His1250Arg).

NM_203446.3(SYNJ1):c.3632A>G (p.His1211Arg)

Gene: SYNJ1 (synaptojanin 1; minus strand). Cytogenetic location: 21q22.11.
Variant type: single nucleotide variant.
Coding change: c.3632A>G on transcript NM_203446.3 (MANE Select); coding-DNA position 3632, A replaced by G.
Protein change: p.His1211Arg; replaces histidine 1211 with arginine.
Molecular consequence: missense variant.
Genome position (GRCh38, 1-based): chr21:32,639,736, T>C on the plus strand (A>G on the coding strand, the complement: SYNJ1 is on the minus strand). VCF-style: chr21-32639736-T-C. GRCh37 (hg19) VCF-style: chr21-34012046-T-C.
Other names: c.3584A>G, p.His1195Arg (NM_001160302.2); c.3491A>G, p.His1164Arg (NM_001160306.2); c.3749A>G, p.His1250Arg (NM_003895.4); short protein forms H1195R, H1211R, H1164R, H1250R.
Identifiers: ClinVar variation 2108296 (VCV002108296.4), dbSNP rs1286645399, ClinGen allele CA410087845.